The following is an entry in ClinVar:

NM_198252.3(GSN):c.1807T>A (p.Ser603Thr)

Gene: GSN (gelsolin; plus strand). Cytogenetic location: 9q33.2.
Variant type: single nucleotide variant.
Coding change: c.1807T>A on transcript NM_198252.3 (MANE Select); coding-DNA position 1807, T replaced by A.
Protein change: p.Ser603Thr; replaces serine 603 with threonine.
Molecular consequence: missense variant.
Genome position (GRCh38, 1-based): chr9:121,328,935, T>A. VCF-style: chr9-121328935-T-A. GRCh37 (hg19) VCF-style: chr9-124091213-T-A.
Other names: c.1960T>A, p.Ser654Thr (NM_000177.5); c.1807T>A, p.Ser603Thr (NM_001127662.2, NM_001127664.2, NM_001127665.2 and 10 more transcripts); c.1915T>A, p.Ser639Thr (NM_001127663.2); c.1840T>A, p.Ser614Thr (NM_001127666.2, NM_001127667.2, NM_001353063.2 and 13 more transcripts); c.1858T>A, p.Ser620Thr (NM_001258029.2); c.1831T>A, p.Ser611Thr (NM_001258030.2); c.1879T>A, p.Ser627Thr (NM_001353076.2); c.1153T>A, p.Ser385Thr (NM_001353078.2); short protein forms S614T, S639T, S620T, S627T, S611T, S385T, S603T, S654T.
Identifiers: ClinVar variation 3679517 (VCV003679517.2).

ClinVar aggregate classification (germline): Uncertain significance (1 of 4 stars; one submission).

Submission:

Labcorp Genetics (formerly Invitae), Labcorp
Classification: Uncertain significance. Last evaluated: 2024-06-03. Review status: criteria provided, single submitter. Criteria: Invitae Variant Classification Sherloc (09022015). Collection method: clinical testing. Allele origin: germline.
Comment: This sequence change replaces serine, which is neutral and polar, with threonine, which is neutral and polar, at codon 654 of the GSN protein (p.Ser654Thr). This variant is not present in population databases (gnomAD no frequency). This variant has not been reported in the literature in individuals affected with GSN-related conditions. Advanced modeling of protein sequence and biophysical properties (such as structural, functional, and spatial information, amino acid conservation, physicochemical variation, residue mobility, and thermodynamic stability) performed at Invitae indicates that this missense variant is not expected to disrupt GSN protein function with a negative predictive value of 80%. In summary, the available evidence is currently insufficient to determine the role of this variant in disease. Therefore, it has been classified as a Variant of Uncertain Significance.